The following is an entry in ClinVar:

NM_004793.4(LONP1):c.2062A>G (p.Lys688Glu)

Gene: LONP1 (lon peptidase 1, mitochondrial; minus strand). Cytogenetic location: 19p13.3.
Variant type: single nucleotide variant.
Coding change: c.2062A>G on transcript NM_004793.4 (MANE Select); coding-DNA position 2062, A replaced by G.
Protein change: p.Lys688Glu; replaces lysine 688 with glutamic acid.
Molecular consequence: missense variant. On other transcripts: non-coding transcript variant (1).
Genome position (GRCh38, 1-based): chr19:5,694,853, T>C on the plus strand (A>G on the coding strand, the complement: LONP1 is on the minus strand). VCF-style: chr19-5694853-T-C. GRCh37 (hg19) VCF-style: chr19-5694864-T-C.
Other names: c.1870A>G, p.Lys624Glu (NM_001276479.2); c.1474A>G, p.Lys492Glu (NM_001276480.1); c.2062A>G (NM_004793.3); short protein forms K492E, K624E, K688E.
Identifiers: ClinVar variation 2606750 (VCV002606750.7), dbSNP rs929281465, ClinGen allele CA304609363.
Genomic context (GRCh38, chr19:5,694,853, plus strand): 5'-CGCTCTCGCGGCAGTACTGCTTGATGAGCAGCGTCAGCACGTCCGATGACAGCTTGGCCT[T>C]GCTCTCATCCAAGCCACACAGGGCGCGAGCCTGGGGCACCAGGTAGCGCTGCAAGGGCAA-3'
Protein context (NP_004784.2, residues 678-698): ARALCGLDES[Lys688Glu]AKLSSDVLTL

ClinVar aggregate classification (germline): Uncertain significance. Review status: criteria provided, multiple submitters, no conflicts (2 of 4 stars). 3 submissions from 3 submitters: Uncertain significance (3). Last evaluated 2025-10-21.

Conditions:
Inborn genetic diseases. Identifiers: MedGen C0950123, MeSH D030342.

Allele frequency attached by ClinVar (database versions not stated): gnomAD exomes below 0.00001; TOPMed 0.00001.
gnomAD v4.1: 5 of 1,603,342 alleles (0.00031%); highest among the groups gnomAD compares: Non-Finnish European, 0.00034%; no homozygotes.

Submissions (3):

GeneDx
Classification: Uncertain significance. Last evaluated: 2025-10-21. Review status: criteria provided, single submitter. Criteria: GeneDx Variant Classification Process June 2021. Collection method: clinical testing. Allele origin: germline.
Comment: Not observed at significant frequency in large population cohorts (gnomAD); In silico analysis suggests that this missense variant does not alter protein structure/function; Has not been previously published as pathogenic or benign to our knowledge

Labcorp Genetics (formerly Invitae), Labcorp
Classification: Uncertain significance. Last evaluated: 2025-03-26. Review status: criteria provided, single submitter. Criteria: Invitae Variant Classification Sherloc (09022015). Collection method: clinical testing. Allele origin: germline.
Comment: This sequence change replaces lysine, which is basic and polar, with glutamic acid, which is acidic and polar, at codon 688 of the LONP1 protein (p.Lys688Glu). This variant is not present in population databases (gnomAD no frequency). This variant has not been reported in the literature in individuals affected with LONP1-related conditions. ClinVar contains an entry for this variant (Variation ID: 2606750). Invitae Evidence Modeling of protein sequence and biophysical properties (such as structural, functional, and spatial information, amino acid conservation, physicochemical variation, residue mobility, and thermodynamic stability) indicates that this missense variant is not expected to disrupt LONP1 protein function with a negative predictive value of 95%. In summary, the available evidence is currently insufficient to determine the role of this variant in disease. Therefore, it has been classified as a Variant of Uncertain Significance.

Ambry Genetics
Classification: Uncertain significance for Inborn genetic diseases. Last evaluated: 2023-06-27. Review status: criteria provided, single submitter. Criteria: Ambry Variant Classification Scheme 2023. Collection method: clinical testing. Allele origin: germline.